The following is an entry in ClinVar:

NM_006031.6(PCNT):c.9922C>T (p.His3308Tyr)

Gene: PCNT (pericentrin; plus strand). Cytogenetic location: 21q22.3.
Variant type: single nucleotide variant.
Coding change: c.9922C>T on transcript NM_006031.6 (MANE Select); coding-DNA position 9922, C replaced by T.
Protein change: p.His3308Tyr; replaces histidine 3308 with tyrosine.
Molecular consequence: missense variant.
Genome position (GRCh38, 1-based): chr21:46,444,776, C>T. VCF-style: chr21-46444776-C-T. GRCh37 (hg19) VCF-style: chr21-47864689-C-T.
Other names: c.9331C>T, p.His3111Tyr (NM_001315529.2); short protein forms H3111Y, H3308Y.
Identifiers: ClinVar variation 2635703 (VCV002635703.1), dbSNP rs2519175530, ClinGen allele CA410580128.

ClinVar aggregate classification (germline): Uncertain significance (1 of 4 stars; one submission).

Conditions:
PCNT-related disorder. Also called: PCNT-related condition.

Allele frequency attached by ClinVar (database versions not stated): gnomAD exomes 0.00001.
gnomAD v4.1: 13 of 1,612,808 alleles (0.00081%); highest among the groups gnomAD compares: Non-Finnish European, 0.0011%; no homozygotes.

Submission:

PreventionGenetics, part of Exact Sciences
Classification: Uncertain significance for PCNT-related condition. Last evaluated: 2023-01-06. Review status: criteria provided, single submitter. Criteria: ACMG Guidelines, 2015. Collection method: clinical testing. Allele origin: germline.
Comment: The PCNT c.9922C>T variant is predicted to result in the amino acid substitution p.His3308Tyr. To our knowledge, this variant has not been reported in the literature or in a large population database, indicating this variant is rare. At this time, the clinical significance of this variant is uncertain due to the absence of conclusive functional and genetic evidence.